The following is an entry in ClinVar:

NM_001377295.2(GNAT2):c.554T>C (p.Ile185Thr)

Gene: GNAT2 (G protein subunit alpha transducin 2; minus strand). Cytogenetic location: 1p13.3.
Variant type: single nucleotide variant.
Coding change: c.554T>C on transcript NM_001377295.2 (MANE Select); coding-DNA position 554, T replaced by C.
Protein change: p.Ile185Thr; replaces isoleucine 185 with threonine.
Molecular consequence: missense variant.
Genome position (GRCh38, 1-based): chr1:109,606,344, A>G on the plus strand (T>C on the coding strand, the complement: GNAT2 is on the minus strand). VCF-style: chr1-109606344-A-G. GRCh37 (hg19) VCF-style: chr1-110148966-A-G.
Other names: c.554T>C, p.Ile185Thr (NM_001379232.1, NM_005272.5); c.554T>C (NM_005272.3); short protein forms I185T.
Identifiers: ClinVar variation 1361925 (VCV001361925.7), dbSNP rs370869387, ClinGen allele CA992392.

ClinVar aggregate classification (germline): Uncertain significance. Review status: criteria provided, multiple submitters, no conflicts (2 of 4 stars). 3 submissions from 3 submitters: Uncertain significance (3). Last evaluated 2025-05-23.

Conditions:
Inborn genetic diseases. Identifiers: MedGen C0950123, MeSH D030342.

Allele frequency attached by ClinVar (database versions not stated): gnomAD exomes 0.00001; ExAC 0.00002; gnomAD 0.00002; TOPMed 0.00002; ESP Exome Variant Server 0.00008.
gnomAD v4.1: 13 of 1,613,398 alleles (0.00081%); highest among the groups gnomAD compares: South Asian, 0.0022%; no homozygotes.

Submissions (3):

Ambry Genetics
Classification: Uncertain significance for Inborn genetic diseases. Last evaluated: 2025-05-23. Review status: criteria provided, single submitter. Criteria: Ambry Variant Classification Scheme 2023. Collection method: clinical testing. Allele origin: germline.

Labcorp Genetics (formerly Invitae), Labcorp
Classification: Uncertain significance. Last evaluated: 2022-06-03. Review status: criteria provided, single submitter. Criteria: Invitae Variant Classification Sherloc (09022015). Collection method: clinical testing. Allele origin: germline.
Comment: This sequence change replaces isoleucine, which is neutral and non-polar, with threonine, which is neutral and polar, at codon 185 of the GNAT2 protein (p.Ile185Thr). This variant is present in population databases (rs370869387, gnomAD 0.004%). This variant has not been reported in the literature in individuals affected with GNAT2-related conditions. ClinVar contains an entry for this variant (Variation ID: 1361925). Advanced modeling of protein sequence and biophysical properties (such as structural, functional, and spatial information, amino acid conservation, physicochemical variation, residue mobility, and thermodynamic stability) performed at Invitae indicates that this missense variant is not expected to disrupt GNAT2 protein function. In summary, the available evidence is currently insufficient to determine the role of this variant in disease. Therefore, it has been classified as a Variant of Uncertain Significance.

Blueprint Genetics
Classification: Uncertain significance. Last evaluated: 2022-04-28. Review status: criteria provided, single submitter. Criteria: ACMG Guidelines, 2015. Collection method: clinical testing. Allele origin: germline.